The following is an entry in ClinVar:

NM_006734.4(HIVEP2):c.2248C>G (p.Leu750Val)

Gene: HIVEP2 (HIVEP zinc finger 2; minus strand). Cytogenetic location: 6q24.2.
Variant type: single nucleotide variant.
Coding change: c.2248C>G on transcript NM_006734.4 (MANE Select); coding-DNA position 2248, C replaced by G.
Protein change: p.Leu750Val; replaces leucine 750 with valine.
Molecular consequence: missense variant.
Genome position (GRCh38, 1-based): chr6:142,772,491, G>C on the plus strand (C>G on the coding strand, the complement: HIVEP2 is on the minus strand). VCF-style: chr6-142772491-G-C. GRCh37 (hg19) VCF-style: chr6-143093628-G-C.
Other names: short protein forms L750V.
Identifiers: ClinVar variation 1690543 (VCV001690543.2), dbSNP rs567692069, ClinGen allele CA365910525.

ClinVar aggregate classification (germline): Uncertain significance (1 of 4 stars; one submission).

Submission:

Laboratorio de Genetica e Diagnostico Molecular, Hospital Israelita Albert Einstein
Classification: Uncertain significance. Last evaluated: 2022-01-06. Review status: criteria provided, single submitter. Criteria: ACMG Guidelines, 2015. Collection method: clinical testing. Allele origin: germline. Affected: yes.
Comment: ACMG classification criteria: PM2, BP4